The following is an entry in ClinVar:

ClinVar aggregate classification (germline): Uncertain significance (1 of 4 stars; one submission).

Allele frequency attached by ClinVar (database versions not stated): gnomAD exomes below 0.00001; gnomAD 0.00001; TOPMed 0.00001.
gnomAD v4.1: 3 of 1,550,712 alleles (0.00019%); highest among the groups gnomAD compares: African/African-American, 0.0041%; no homozygotes.

Submission:

Labcorp Genetics (formerly Invitae), Labcorp
Classification: Uncertain significance. Last evaluated: 2022-09-26. Review status: criteria provided, single submitter. Criteria: Invitae Variant Classification Sherloc (09022015). Collection method: clinical testing. Allele origin: germline.
Comment: This sequence change replaces serine, which is neutral and polar, with threonine, which is neutral and polar, at codon 1667 of the EYS protein (p.Ser1667Thr). This variant is not present in population databases (gnomAD no frequency). This variant has not been reported in the literature in individuals affected with EYS-related conditions. Advanced modeling of protein sequence and biophysical properties (such as structural, functional, and spatial information, amino acid conservation, physicochemical variation, residue mobility, and thermodynamic stability) has been performed at Invitae for this missense variant, however the output from this modeling did not meet the statistical confidence thresholds required to predict the impact of this variant on EYS protein function. In summary, the available evidence is currently insufficient to determine the role of this variant in disease. Therefore, it has been classified as a Variant of Uncertain Significance.

NM_001142800.2(EYS):c.4999T>A (p.Ser1667Thr)

Gene: EYS (EGF-like photoreceptor maintenance factor; minus strand). Cytogenetic location: 6q12.
Variant type: single nucleotide variant.
Coding change: c.4999T>A on transcript NM_001142800.2 (MANE Select); coding-DNA position 4999, T replaced by A.
Protein change: p.Ser1667Thr; replaces serine 1667 with threonine.
Molecular consequence: missense variant.
Genome position (GRCh38, 1-based): chr6:64,590,868, A>T on the plus strand (T>A on the coding strand, the complement: EYS is on the minus strand). VCF-style: chr6-64590868-A-T. GRCh37 (hg19) VCF-style: chr6-65300761-A-T.
Other names: c.4999T>A, p.Ser1667Thr (NM_001292009.2); short protein forms S1667T.
Identifiers: ClinVar variation 1944423 (VCV001944423.5), dbSNP rs1278529871, ClinGen allele CA364782076.